The following is an entry in ClinVar:

ClinVar aggregate classification (germline): Uncertain significance. Review status: criteria provided, multiple submitters, no conflicts (2 of 4 stars). 5 submissions from 5 submitters: Uncertain significance (5). Last evaluated 2026-06-15.

Conditions:
Inborn genetic diseases. Identifiers: MedGen C0950123, MeSH D030342.

Allele frequency attached by ClinVar (database versions not stated): ESP Exome Variant Server 0.00015; gnomAD 0.00010; 1000 Genomes Project 0.00020; 1000 Genomes Project 30x 0.00031; gnomAD exomes 0.00015 and 0.00011; TOPMed 0.00010; ExAC 0.00012.
gnomAD v4.1: 230 of 1,614,218 alleles (0.014%); highest among the groups gnomAD compares: Middle Eastern, 0.049%; no homozygotes.

Submissions (5):

Women's Health and Genetics/Laboratory Corporation of America, LabCorp
Classification: Uncertain significance. Last evaluated: 2026-06-15. Review status: criteria provided, single submitter. Criteria: LabCorp Variant Classification Summary - May 2015. Collection method: clinical testing. Allele origin: germline.
Comment: Variant summary: ERCC6 c.565A>G (p.Thr189Ala) results in a non-conservative amino acid change in the encoded protein sequence. Algorithms developed to predict the effect of missense changes on protein structure and function are either unavailable or do not agree on the potential impact of this missense change. The variant allele was found at a frequency of 0.00011 in 251470 control chromosomes. This frequency is not significantly higher than estimated for disease-causing variants in ERCC6, allowing no conclusion about variant significance. To our knowledge, no occurrence of c.565A>G in individuals affected with ERCC6-related conditions and no experimental evidence demonstrating its impact on protein function have been reported. ClinVar contains an entry for this variant (Variation ID: 1343426). Based on the evidence outlined above, the variant was classified as uncertain significance.

Ambry Genetics
Classification: Uncertain significance for Inborn genetic diseases. Last evaluated: 2025-08-22. Review status: criteria provided, single submitter. Criteria: Ambry Variant Classification Scheme 2023. Collection method: clinical testing. Allele origin: germline.

GeneDx
Classification: Uncertain significance. Last evaluated: 2023-03-03. Review status: criteria provided, single submitter. Criteria: GeneDx Variant Classification Process June 2021. Collection method: clinical testing. Allele origin: germline.
Comment: In silico analysis supports that this missense variant does not alter protein structure/function; Has not been previously published as pathogenic or benign to our knowledge

Labcorp Genetics (formerly Invitae), Labcorp
Classification: Uncertain significance. Last evaluated: 2022-09-27. Review status: criteria provided, single submitter. Criteria: Invitae Variant Classification Sherloc (09022015). Collection method: clinical testing. Allele origin: germline.
Comment: This sequence change replaces threonine, which is neutral and polar, with alanine, which is neutral and non-polar, at codon 189 of the ERCC6 protein (p.Thr189Ala). This variant is present in population databases (rs138822457, gnomAD 0.02%). This variant has not been reported in the literature in individuals affected with ERCC6-related conditions. ClinVar contains an entry for this variant (Variation ID: 1343426). Advanced modeling of protein sequence and biophysical properties (such as structural, functional, and spatial information, amino acid conservation, physicochemical variation, residue mobility, and thermodynamic stability) performed at Invitae indicates that this missense variant is not expected to disrupt ERCC6 protein function. In summary, the available evidence is currently insufficient to determine the role of this variant in disease. Therefore, it has been classified as a Variant of Uncertain Significance.

Mayo Clinic Laboratories, Mayo Clinic
Classification: Uncertain significance. Last evaluated: 2022-01-12. Review status: criteria provided, single submitter. Criteria: ACMG Guidelines, 2015. Collection method: clinical testing. Allele origin: germline.

NM_000124.4(ERCC6):c.565A>G (p.Thr189Ala)

Gene: ERCC6 (ERCC excision repair 6, chromatin remodeling factor; minus strand). Cytogenetic location: 10q11.23.
Variant type: single nucleotide variant.
Coding change: c.565A>G on transcript NM_000124.4 (MANE Select); coding-DNA position 565, A replaced by G.
Protein change: p.Thr189Ala; replaces threonine 189 with alanine.
Molecular consequence: missense variant.
Genome position (GRCh38, 1-based): chr10:49,528,504, T>C on the plus strand (A>G on the coding strand, the complement: ERCC6 is on the minus strand). VCF-style: chr10-49528504-T-C. GRCh37 (hg19) VCF-style: chr10-50736550-T-C.
Other names: p.Thr189Ala; c.565A>G, p.Thr189Ala (NM_001277058.2, NM_001277059.2, NM_001346440.2); short protein forms T189A.
Identifiers: ClinVar variation 1343426 (VCV001343426.13), dbSNP rs138822457, ClinGen allele CA5496492.